The following is an entry in ClinVar:

NM_022051.3(EGLN1):c.1234dup (p.Val412fs)

Gene: EGLN1 (egl-9 family hypoxia inducible factor 1; minus strand). Cytogenetic location: 1q42.2.
Variant type: Duplication.
Coding change: c.1234dup on transcript NM_022051.3 (MANE Select); coding-DNA position 1234, one base duplicated (G; older notation c.1234dupG).
Protein change: p.Val412fs; shifts the reading frame from valine 412.
Molecular consequence: frameshift variant. On other transcripts: 3 prime UTR variant (2).
Genome position (GRCh38, 1-based): chr1:231,366,458, C duplicated on the plus strand (G on the coding strand, the reverse complement: EGLN1 is on the minus strand); the first of 3 consecutive C bases (chr1:231,366,458-231,366,460); duplicating any one gives the same sequence. VCF-style (leftmost placement, unchanged base first): chr1-231366457-A-AC. GRCh37 (hg19) VCF-style: chr1-231502203-A-AC.
Other names: c.*14dup (NM_001377260.1); c.*59dup (NM_001377261.1); short protein forms V412fs.
Identifiers: ClinVar variation 2765915 (VCV002765915.3), dbSNP rs1265224256, ClinGen allele CA529723619.
Genomic context (GRCh38, chr1:231,366,457, plus strand): 5'-CTGGATCAAAGGCTCTAGAAGACGTCTTTACCGACCGAATCTGAAGGTTTATTGAGTTCA[A>AC]CCCTCACACCTTTTTCACCTGCAAGGTAAAAAAAAAAAAAATTTTCATTCATTCACTAAG-3'

ClinVar aggregate classification (germline): Uncertain significance (1 of 4 stars; one submission).

Conditions:
Erythrocytosis, familial, 3 (ECYT3). Identifiers: Orphanet 247511, MedGen C1853286, MONDO:0012353, OMIM 609820.

Submission:

Labcorp Genetics (formerly Invitae), Labcorp
Classification: Uncertain significance for Erythrocytosis, familial, 3. Last evaluated: 2023-10-05. Review status: criteria provided, single submitter. Criteria: Invitae Variant Classification Sherloc (09022015). Collection method: clinical testing. Allele origin: germline.
Comment: This sequence change creates a premature translational stop signal (p.Val412Glyfs*2) in the EGLN1 gene. While this is not anticipated to result in nonsense mediated decay, it is expected to disrupt the last 15 amino acid(s) of the EGLN1 protein. This variant is present in population databases (no rsID available, gnomAD 0.006%). This variant has not been reported in the literature in individuals affected with EGLN1-related conditions. Experimental studies and prediction algorithms are not available or were not evaluated, and the functional significance of this variant is currently unknown. In summary, the available evidence is currently insufficient to determine the role of this variant in disease. Therefore, it has been classified as a Variant of Uncertain Significance.